The following is an entry in ClinVar:

NM_017514.5(PLXNA3):c.2296G>T (p.Val766Phe)

Gene: PLXNA3 (plexin A3; plus strand). Cytogenetic location: Xq28.
Variant type: single nucleotide variant.
Coding change: c.2296G>T on transcript NM_017514.5 (MANE Select); coding-DNA position 2296, G replaced by T.
Protein change: p.Val766Phe; replaces valine 766 with phenylalanine.
Molecular consequence: missense variant.
Genome position (GRCh38, 1-based): chrX:154,465,475, G>T. VCF-style: chrX-154465475-G-T. GRCh37 (hg19) VCF-style: chrX-153693818-G-T.
Other names: short protein forms V766F.
Identifiers: ClinVar variation 3345728 (VCV003345728.1).

ClinVar aggregate classification (germline): Uncertain significance (0 of 4 stars; one submission).

Conditions:
PLXNA3-related disorder. Also called: PLXNA3-related condition.

Submission:

PreventionGenetics, part of Exact Sciences
Classification: Uncertain significance for PLXNA3-related condition. Last evaluated: 2024-06-28. Review status: no assertion criteria provided. Collection method: clinical testing. Allele origin: germline.
Comment: The PLXNA3 c.2296G>T variant is predicted to result in the amino acid substitution p.Val766Phe. To our knowledge, this variant has not been reported in the literature or in a large population database, indicating this variant is rare. At this time, the clinical significance of this variant is uncertain due to the absence of conclusive functional and genetic evidence.